The following is an entry in ClinVar:

ClinVar aggregate classification (germline): Benign/Likely benign. Review status: criteria provided, multiple submitters, no conflicts (2 of 4 stars). 6 submissions from 6 submitters: Benign (1); Likely benign (5). Last evaluated 2026-02-01.

Conditions:
Mulibrey nanism syndrome. Also called: MUSCLE-LIVER-BRAIN-EYE NANISM; PERHEENTUPA SYNDROME; PERICARDIAL CONSTRICTION AND GROWTH FAILURE. Identifiers: Orphanet 2576, MedGen C0524582, MONDO:0009664, OMIM 253250.

Allele frequency attached by ClinVar (database versions not stated): ESP Exome Variant Server 0.00031; gnomAD 0.00031 and 0.00052; TOPMed 0.00054; gnomAD exomes 0.00066 and 0.00125; 1000 Genomes Project 30x 0.00125; ExAC 0.00133; 1000 Genomes Project 0.00160.
gnomAD v4.1: 1,082 of 1,613,262 alleles (0.067%); highest among the groups gnomAD compares: Middle Eastern, 0.88%; 7 homozygotes.

Submissions (6):

Labcorp Genetics (formerly Invitae), Labcorp
Classification: Likely benign. Last evaluated: 2026-02-01. Review status: criteria provided, single submitter. Criteria: Invitae Variant Classification Sherloc (09022015). Collection method: clinical testing. Allele origin: germline.

CeGaT Center for Human Genetics Tuebingen
Classification: Likely benign. Last evaluated: 2025-11-01. Review status: criteria provided, single submitter. Criteria: CeGaT Center For Human Genetics Tuebingen Variant Classification Criteria Version 2. Collection method: clinical testing. Allele origin: germline. Affected: yes. Observed: 1 variant allele.
Comment: TRIM37: BS2

Blueprint Genetics
Classification: Likely benign. Last evaluated: 2024-11-13. Review status: criteria provided, single submitter. Criteria: ACMG Guidelines, 2015. Collection method: clinical testing. Allele origin: germline.

Illumina Laboratory Services, Illumina
Classification: Likely benign for Mulibrey nanism syndrome. Last evaluated: 2018-01-12. Review status: criteria provided, single submitter. Criteria: ICSL Variant Classification Criteria 13 December 2019. Collection method: clinical testing. Allele origin: germline.
Comment: This variant was observed in the ICSL laboratory as part of a predisposition screen in an ostensibly healthy population. It had not been previously curated by ICSL or reported in the Human Gene Mutation Database (HGMD: prior to June 1st, 2018), and was therefore a candidate for classification through an automated scoring system. Utilizing variant allele frequency, disease prevalence and penetrance estimates, and inheritance mode, an automated score was calculated to assess if this variant is too frequent to cause the disease. Based on the score and internal cut-off values, a variant classified as likely benign is not then subjected to further curation. The score for this variant resulted in a classification of likely benign for this disease.

GeneDx
Classification: Benign. Last evaluated: 2015-03-03. Review status: criteria provided, single submitter. Criteria: GeneDx Variant Classification Process June 2021. Collection method: clinical testing. Allele origin: germline. Affected: yes.

Breakthrough Genomics
Classification: Likely benign. Review status: criteria provided, single submitter. Criteria: ACMG Guidelines, 2015. Collection method: not provided. Allele origin: germline. Inheritance: Autosomal recessive inheritance. Affected: yes.

NM_015294.6(TRIM37):c.1754-3C>T

Gene: TRIM37 (tripartite motif containing 37; minus strand). Cytogenetic location: 17q22.
Variant type: single nucleotide variant.
Coding change: c.1754-3C>T on transcript NM_015294.6 (MANE Select); 3 bases into the intron before coding-DNA position 1754, C replaced by T.
Molecular consequence: intron variant.
Genome position (GRCh38, 1-based): chr17:59,032,093, G>A on the plus strand (C>T on the coding strand, the complement: TRIM37 is on the minus strand). VCF-style: chr17-59032093-G-A. GRCh37 (hg19) VCF-style: chr17-57109454-G-A.
Other names: c.1754-3C>T (NM_001320989.3, NM_001005207.5, NM_001320988.3 and 1 more transcripts); c.1292-3C>T (NM_001353085.2); c.1652-3C>T (NM_001320987.3, NM_001353082.2); c.1703-3C>T (NM_001353086.2); c.1019-3C>T (NM_001353083.2); c.1388-3C>T (NM_001320990.3).
Identifiers: ClinVar variation 779174 (VCV000779174.21), dbSNP rs373120070, ClinGen allele CA8678197.